The following is an entry in ClinVar:

NM_021930.6(RINT1):c.1018G>A (p.Val340Ile)

Gene: RINT1 (RAD50 interactor 1; plus strand). Cytogenetic location: 7q22.3.
Variant type: single nucleotide variant.
Coding change: c.1018G>A on transcript NM_021930.6 (MANE Select); coding-DNA position 1018, G replaced by A.
Protein change: p.Val340Ile; replaces valine 340 with isoleucine.
Molecular consequence: missense variant. On other transcripts: 5 prime UTR variant (2), non-coding transcript variant (1).
Genome position (GRCh38, 1-based): chr7:105,550,076, G>A. VCF-style: chr7-105550076-G-A. GRCh37 (hg19) VCF-style: chr7-105190523-G-A.
Other names: c.784G>A, p.Val262Ile (NM_001346599.2); c.-6G>A (NM_001346600.2, NM_001346603.2); c.94G>A, p.Val32Ile (NM_001346601.2); c.1018G>A (NM_021930.4); short protein forms V32I, V340I, V262I.
Identifiers: ClinVar variation 1974092 (VCV001974092.6), dbSNP rs2485131828, ClinGen allele CA368808234.

ClinVar aggregate classification (germline): Uncertain significance. Review status: criteria provided, multiple submitters, no conflicts (2 of 4 stars). 2 submissions from 2 submitters: Uncertain significance (2). Last evaluated 2025-02-21.

Submissions (2):

Ambry Genetics
Classification: Uncertain significance. Last evaluated: 2025-02-21. Review status: criteria provided, single submitter. Criteria: Ambry Variant Classification Scheme 2023. Collection method: clinical testing. Allele origin: germline.
Comment: The p.V340I variant (also known as c.1018G>A), located in coding exon 8 of the RINT1 gene, results from a G to A substitution at nucleotide position 1018. The valine at codon 340 is replaced by isoleucine, an amino acid with highly similar properties. This amino acid position is conserved. In addition, this alteration is predicted to be tolerated by in silico analysis. Based on the available evidence, the clinical significance of this variant remains unclear.

Labcorp Genetics (formerly Invitae), Labcorp
Classification: Uncertain significance. Last evaluated: 2022-06-29. Review status: criteria provided, single submitter. Criteria: Invitae Variant Classification Sherloc (09022015). Collection method: clinical testing. Allele origin: germline.
Comment: In summary, the available evidence is currently insufficient to determine the role of this variant in disease. Therefore, it has been classified as a Variant of Uncertain Significance. Algorithms developed to predict the effect of missense changes on protein structure and function output the following: SIFT: "Tolerated"; PolyPhen-2: "Benign"; Align-GVGD: "Class C0". The isoleucine amino acid residue is found in multiple mammalian species, which suggests that this missense change does not adversely affect protein function. This variant has not been reported in the literature in individuals affected with RINT1-related conditions. This variant is not present in population databases (gnomAD no frequency). This sequence change replaces valine, which is neutral and non-polar, with isoleucine, which is neutral and non-polar, at codon 340 of the RINT1 protein (p.Val340Ile).